The following is an entry in ClinVar:

ClinVar aggregate classification (germline): Uncertain significance (1 of 4 stars; one submission).

Submission:

GeneDx
Classification: Uncertain significance. Last evaluated: 2024-12-05. Review status: criteria provided, single submitter. Criteria: GeneDx Variant Classification Process June 2021. Collection method: clinical testing. Allele origin: germline. Affected: yes.
Comment: Not observed at significant frequency in large population cohorts (gnomAD); In silico analysis supports that this missense variant has a deleterious effect on protein structure/function; Has not been previously published as pathogenic or benign to our knowledge

NM_020928.2(ZSWIM6):c.2810T>G (p.Met937Arg)

Gene: ZSWIM6 (zinc finger SWIM-type containing 6; plus strand). Cytogenetic location: 5q12.1.
Variant type: single nucleotide variant.
Coding change: c.2810T>G on transcript NM_020928.2 (MANE Select); coding-DNA position 2810, T replaced by G.
Protein change: p.Met937Arg; replaces methionine 937 with arginine.
Molecular consequence: missense variant.
Genome position (GRCh38, 1-based): chr5:61,543,479, T>G. VCF-style: chr5-61543479-T-G. GRCh37 (hg19) VCF-style: chr5-60839306-T-G.
Other names: short protein forms M937R.
Identifiers: ClinVar variation 3901724 (VCV003901724.1).